The following is an entry in ClinVar:

NM_000397.4(CYBB):c.674+1332C>T

Gene: CYBB (cytochrome b-245 beta chain; plus strand). Cytogenetic location: Xp21.1.
Variant type: single nucleotide variant.
Coding change: c.674+1332C>T on transcript NM_000397.4 (MANE Select); 1332 bases into the intron after coding-DNA position 674, C replaced by T.
Molecular consequence: intron variant.
Genome position (GRCh38, 1-based): chrX:37,797,473, C>T. VCF-style: chrX-37797473-C-T. GRCh37 (hg19) VCF-style: chrX-37656726-C-T.
Identifiers: ClinVar variation 3047535 (VCV003047535.3), dbSNP rs782096891, ClinGen allele CA328041227.

ClinVar aggregate classification (germline): Likely benign. Review status: criteria provided, single submitter (1 of 4 stars). 2 submissions from 2 submitters: Likely benign (1). 1 of the submissions does not count toward it. Last evaluated 2024-02-28.

Conditions:
CYBB-related disorder. Also called: CYBB-related condition.

Allele frequency attached by ClinVar (database versions not stated): 1000 Genomes Project 0.00079; 1000 Genomes Project 30x 0.00125.
gnomAD v4.1: 18 of 111,691 alleles (0.016%); highest among the groups gnomAD compares: South Asian, 0.63%; no homozygotes.

Submissions (2):

Blueprint Genetics
Classification: Likely benign. Last evaluated: 2024-02-28. Review status: criteria provided, single submitter. Criteria: ACMG Guidelines, 2015. Collection method: clinical testing. Allele origin: germline.

PreventionGenetics, part of Exact Sciences
Classification: Likely benign for CYBB-related condition. Last evaluated: 2019-02-19. Review status: no assertion criteria provided. Collection method: clinical testing. Allele origin: germline. Not counted in ClinVar's aggregate classification.
Comment: This variant is classified as likely benign based on ACMG/AMP sequence variant interpretation guidelines (Richards et al. 2015 PMID: 25741868, with internal and published modifications).